The following is an entry in ClinVar:

NM_174934.4(SCN4B):c.464-12C>T

Gene: SCN4B (sodium voltage-gated channel beta subunit 4; minus strand). Cytogenetic location: 11q23.3.
Variant type: single nucleotide variant.
Coding change: c.464-12C>T on transcript NM_174934.4 (MANE Select); 12 bases into the intron before coding-DNA position 464, C replaced by T.
Molecular consequence: intron variant.
Genome position (GRCh38, 1-based): chr11:118,141,348, G>A on the plus strand (C>T on the coding strand, the complement: SCN4B is on the minus strand). VCF-style: chr11-118141348-G-A. GRCh37 (hg19) VCF-style: chr11-118012063-G-A.
Other names: c.62-12C>T (NM_001142348.2); c.134-12C>T (NM_001142349.2).
Identifiers: ClinVar variation 506961 (VCV000506961.3), dbSNP rs375056921, ClinGen allele CA6300196.
Genomic context (GRCh38, chr11:118,141,348, plus strand): 5'-CCCACGACAGCCAGGATGATGAGTGTCACTGTGTTGTCCACTTCTTCCACTGTGTGGCCC[G>A]AGTAGGGAGGAAAGGGAAGGCACAAAGGGAGCAAGAGTCAACCTGGAGCCGAGAACTGTG-3'

ClinVar aggregate classification (germline): Conflicting classifications of pathogenicity. Review status: criteria provided, conflicting classifications (1 of 4 stars). 2 submissions from 2 submitters: Uncertain significance (1); Likely benign (1). Last evaluated 2020-08-24.

Allele frequency attached by ClinVar (database versions not stated): gnomAD 0.00003; TOPMed 0.00004; ESP Exome Variant Server 0.00008.
gnomAD v4.1: 22 of 1,612,180 alleles (0.0014%); highest among the groups gnomAD compares: Middle Eastern, 0.022%; no homozygotes.

Submissions (2):

Women's Health and Genetics/Laboratory Corporation of America, LabCorp
Classification: Uncertain significance. Last evaluated: 2020-08-24. Review status: criteria provided, single submitter. Criteria: LabCorp Variant Classification Summary - May 2015. Collection method: clinical testing. Allele origin: germline.
Comment: Variant summary: SCN4B c.464-12C>T alters a conserved nucleotide located close to a canonical splice site and therefore could affect mRNA splicing, leading to a significantly altered protein sequence. 4/4 computational tools predict no significant impact on normal splicing. However, these predictions have yet to be confirmed by functional studies. The variant allele was found at a frequency of 2.4e-05 in 251282 control chromosomes. The available data on variant occurrences in the general population are insufficient to allow any conclusion about variant significance. To our knowledge, no occurrence of c.464-12C>T in individuals affected with Long QT Syndrome and no experimental evidence demonstrating its impact on protein function have been reported. One clinical diagnostic laboratory has submitted clinical-significance assessments for this variant to ClinVar after 2014 without evidence for independent evaluation and classified the variant as likely benign. Based on the evidence outlined above, the variant was classified as uncertain significance.

GeneDx
Classification: Likely benign. Last evaluated: 2017-01-19. Review status: criteria provided, single submitter. Criteria: GeneDx Variant Classification (06012015). Collection method: clinical testing. Allele origin: germline. Affected: yes.
Comment: This variant is considered likely benign or benign based on one or more of the following criteria: it is a conservative change, it occurs at a poorly conserved position in the protein, it is predicted to be benign by multiple in silico algorithms, and/or has population frequency not consistent with disease.